The following is an entry in ClinVar:

NM_000618.5(IGF1):c.*261_*262dup

Genes: IGF1 (insulin like growth factor 1; minus strand), LINC02456 (long independently transcribed non-coding RNA 2456; plus strand). Cytogenetic location: 12q23.2.
Variant type: Duplication.
Coding change: c.*261_*262dup on transcript NM_000618.5 (MANE Select); 261 bases downstream of the stop codon through 262 bases downstream of the stop codon, 2 bases duplicated (AA; older notation c.*261_*262dupAA).
Molecular consequence: 3 prime UTR variant.
Genome position (GRCh38, 1-based): chr12:102,402,245-102,402,246, TT duplicated on the plus strand (AA on the coding strand, the reverse complement: IGF1 is on the minus strand); duplicating any 2 consecutive bases within chr12:102,402,245-102,402,254 gives the same sequence; the c. name uses the placement nearest the transcript's 3' end. VCF-style (leftmost placement, unchanged base first): chr12-102402244-A-ATT. GRCh37 (hg19) VCF-style: chr12-102796022-A-ATT.
Other names: c.*295_*296dup (NM_001111283.3); c.*261_*262dup (NM_001111284.2, NM_001414007.1).
Identifiers: ClinVar variation 3038757 (VCV003038757.4), dbSNP rs371947838, ClinGen allele CA242631183.

ClinVar aggregate classification (germline): Likely benign. Review status: criteria provided, single submitter (1 of 4 stars). 2 submissions from 2 submitters: Likely benign (1). 1 of the submissions does not count toward it. Last evaluated 2026-08-01.

Conditions:
IGF1-related disorder. Also called: IGF1-related condition.

Submissions (2):

CeGaT Center for Human Genetics Tuebingen
Classification: Likely benign. Last evaluated: 2026-08-01. Review status: criteria provided, single submitter. Criteria: CeGaT Center For Human Genetics Tuebingen Variant Classification Criteria Version 2. Collection method: clinical testing. Allele origin: germline. Affected: yes. Observed: 2 variant alleles.
Comment: IGF1: BS1; HELLPAR: BS1

PreventionGenetics, part of Exact Sciences
Classification: Likely benign for IGF1-related condition. Last evaluated: 2019-04-01. Review status: no assertion criteria provided. Collection method: clinical testing. Allele origin: germline. Not counted in ClinVar's aggregate classification.
Comment: This variant is classified as likely benign based on ACMG/AMP sequence variant interpretation guidelines (Richards et al. 2015 PMID: 25741868, with internal and published modifications).